The following is an entry in ClinVar:

NM_004415.4(DSP):c.4118C>T (p.Thr1373Ile)

Gene: DSP (desmoplakin; plus strand). Cytogenetic location: 6p24.3.
Variant type: single nucleotide variant.
Coding change: c.4118C>T on transcript NM_004415.4 (MANE Select); coding-DNA position 4118, C replaced by T.
Protein change: p.Thr1373Ile; replaces threonine 1373 with isoleucine.
Molecular consequence: missense variant. On other transcripts: intron variant (2).
Genome position (GRCh38, 1-based): chr6:7,580,308, C>T. VCF-style: chr6-7580308-C-T. GRCh37 (hg19) VCF-style: chr6-7580541-C-T.
Other names: c.4050+68C>T (NM_001319034.2); c.3582+536C>T (NM_001008844.3); c.4118C>T (LRG_423t1); short protein forms T1373I.
Identifiers: ClinVar variation 632789 (VCV000632789.7), dbSNP rs762930286, ClinGen allele CA040201.

ClinVar aggregate classification (germline): Uncertain significance. Review status: criteria provided, multiple submitters, no conflicts (2 of 4 stars). 7 submissions from 7 submitters: Uncertain significance (7). Last evaluated 2025-10-17.

Conditions:
Cardiovascular phenotype. Identifiers: MedGen CN230736.
Arrhythmogenic right ventricular dysplasia 8 (ARVD8). Also called: ARRHYTHMOGENIC RIGHT VENTRICULAR DYSPLASIA, FAMILIAL, 8; Arrhythmogenic Right Ventricular Dysplasia/Cardiomyopathy 8; ARRHYTHMOGENIC RIGHT VENTRICULAR CARDIOMYOPATHY 8. Identifiers: MedGen C1843896, MONDO:0011831, OMIM 607450.
Arrhythmogenic cardiomyopathy with wooly hair and keratoderma. Also called: Arrhythmogenic cardiomyopathy with woolly hair and keratoderma; Dilated cardiomyopathy with woolly hair and keratoderma; PALMOPLANTAR KERATODERMA WITH LEFT VENTRICULAR CARDIOMYOPATHY AND WOOLLY HAIR; Carvajal syndrome. Identifiers: Orphanet 65282, MedGen C1854063, MONDO:0011581, OMIM 605676.
Woolly hair-skin fragility syndrome (WHSF). Identifiers: Orphanet 293165, MedGen C1843292, MONDO:0957307, OMIM 620415.
Keratosis palmoplantaris striata 2. Also called: Keratosis palmoplantaris striata II; KERATODERMA, PALMOPLANTAR, STRIATE FORM II; STRIATE PALMOPLANTAR KERATODERMA II. Identifiers: MedGen C1852127, MONDO:0013034, OMIM 612908.
Lethal acantholytic epidermolysis bullosa (EBLA). Identifiers: Orphanet 158687, MedGen C1864826, MONDO:0012323, OMIM 609638.
Cardiomyopathy, dilated, with wooly hair, keratoderma, and tooth agenesis. Also called: Cardiomyopathy, dilated, with woolly hair, keratoderma, and tooth agenesis; Erythrokeratodermia-cardiomyopathy syndrome. Identifiers: Orphanet 476096, Orphanet 65282, MedGen C4014393, MONDO:0014355, OMIM 615821.
Cardiomyopathy (CMYO). Also called: Cardiomyopathies. Identifiers: Orphanet 167848, MedGen C0878544, MONDO:0004994, HP:0001638. Inheritance: Various modes of inheritance.

Allele frequency attached by ClinVar (database versions not stated): ExAC 0.00001; gnomAD exomes 0.00001; TOPMed 0.00002.
gnomAD v4.1: 17 of 1,613,926 alleles (0.0011%); highest among the groups gnomAD compares: Non-Finnish European, 0.0014%; no homozygotes.

Submissions (7):

Labcorp Genetics (formerly Invitae), Labcorp
Classification: Uncertain significance for Arrhythmogenic cardiomyopathy with wooly hair and keratoderma; Arrhythmogenic right ventricular dysplasia 8. Last evaluated: 2025-10-17. Review status: criteria provided, single submitter. Criteria: Invitae Variant Classification Sherloc (09022015). Collection method: clinical testing. Allele origin: germline.
Comment: This sequence change replaces threonine, which is neutral and polar, with isoleucine, which is neutral and non-polar, at codon 1373 of the DSP protein (p.Thr1373Ile). This variant is present in population databases (rs762930286, gnomAD 0.002%). This variant has not been reported in the literature in individuals affected with DSP-related conditions. ClinVar contains an entry for this variant (Variation ID: 632789). An algorithm developed to predict the effect of missense changes on protein structure and function (PolyPhen-2) suggests that this variant is likely to be tolerated. In summary, the available evidence is currently insufficient to determine the role of this variant in disease. Therefore, it has been classified as a Variant of Uncertain Significance.

Color Diagnostics, LLC DBA Color Health
Classification: Uncertain significance for Cardiomyopathy. Last evaluated: 2025-07-28. Review status: criteria provided, single submitter. Criteria: ACMG Guidelines, 2015. Collection method: clinical testing. Allele origin: germline.
Comment: This missense variant replaces threonine with isoleucine at codon 1373 of the DSP protein. Computational prediction suggests that this variant may not impact protein structure and function. To our knowledge, functional studies have not been reported for this variant. This variant has not been reported in individuals affected with DSP-related disorders in the literature. This variant has been identified in 2/250960 chromosomes in the general population by the Genome Aggregation Database (gnomAD). The available evidence is insufficient to determine the role of this variant in disease conclusively. Therefore, this variant is classified as a Variant of Uncertain Significance.

Ambry Genetics
Classification: Uncertain significance for Cardiovascular phenotype. Last evaluated: 2024-06-30. Review status: criteria provided, single submitter. Criteria: Ambry Variant Classification Scheme 2023. Collection method: clinical testing. Allele origin: germline.
Comment: The p.T1373I variant (also known as c.4118C>T), located in coding exon 23 of the DSP gene, results from a C to T substitution at nucleotide position 4118. The threonine at codon 1373 is replaced by isoleucine, an amino acid with similar properties. This amino acid position is conserved. In addition, this alteration is predicted to be deleterious by in silico analysis. Based on the available evidence, the clinical significance of this variant remains unclear.

GeneDx
Classification: Uncertain significance. Last evaluated: 2024-05-25. Review status: criteria provided, single submitter. Criteria: GeneDx Variant Classification Process June 2021. Collection method: clinical testing. Allele origin: germline. Affected: yes.
Comment: Not observed at significant frequency in large population cohorts (gnomAD); In silico analysis indicates that this missense variant does not alter protein structure/function; Has not been previously published as pathogenic or benign to our knowledge

All of Us Research Program, National Institutes of Health
Classification: Uncertain significance for Arrhythmogenic cardiomyopathy with wooly hair and keratoderma. Last evaluated: 2023-12-01. Review status: criteria provided, single submitter. Criteria: ACMG Guidelines, 2015. Collection method: clinical testing. Allele origin: germline. Inheritance: Autosomal dominant inheritance. Observed: 5 variant alleles, 5 heterozygotes.
Comment: This missense variant replaces threonine with isoleucine at codon 1373 of the DSP protein. Computational prediction suggests that this variant may not impact protein structure and function (internally defined REVEL score threshold <= 0.5, PMID: 27666373). To our knowledge, functional studies have not been reported for this variant. This variant has not been reported in individuals affected with DSP-related disorders in the literature. This variant has been identified in 2/250960 chromosomes in the general population by the Genome Aggregation Database (gnomAD). The available evidence is insufficient to determine the role of this variant in disease conclusively. Therefore, this variant is classified as a Variant of Uncertain Significance.

This study involves interpretation of variants in research participants for the purpose of population health screening. Participant phenotype was not available at the time of variant classification. Additional details can be found in publication PMID: 35346344, PMCID: PMC8962531

Fulgent Genetics
Classification: Uncertain significance for Arrhythmogenic cardiomyopathy with wooly hair and keratoderma; Arrhythmogenic right ventricular dysplasia 8; Lethal acantholytic epidermolysis bullosa; Keratosis palmoplantaris striata 2; Cardiomyopathy, dilated, with wooly hair, keratoderma, and tooth agenesis. Last evaluated: 2021-09-10. Review status: criteria provided, single submitter. Criteria: ACMG Guidelines, 2015. Collection method: clinical testing. Allele origin: unknown.

Women's Health and Genetics/Laboratory Corporation of America, LabCorp
Classification: Uncertain significance. Last evaluated: 2017-09-01. Review status: criteria provided, single submitter. Criteria: LabCorp Variant Classification Summary - May 2015. Collection method: clinical testing. Allele origin: germline.
Comment: Variant summary: The DSP c.4118C>T (p.Thr1373Ile) variant involves the alteration of a non-conserved nucleotide. 4/5 in silico tools predict a damaging outcome for this variant. This variant was found in 1/120766 control chromosomes at a frequency of 0.0000083, which does not exceed the estimated maximal expected allele frequency of a pathogenic DSP variant (0.00001). The variant of interest has not, to our knowledge, been reported in affected individuals via publications, nor evaluated for functional impact by in vivo/vitro studies. Because of the absence of clinical information and the lack of functional studies, the variant is classified as a variant of uncertain significance (VUS) until additional information becomes available.